The following is an entry in ClinVar:

NM_002137.4(HNRNPA2B1):c.910A>G (p.Met304Val)

Gene: HNRNPA2B1 (heterogeneous nuclear ribonucleoprotein A2/B1; minus strand). Cytogenetic location: 7p15.2.
Variant type: single nucleotide variant.
Coding change: c.910A>G on transcript NM_002137.4 (MANE Select); coding-DNA position 910, A replaced by G.
Protein change: p.Met304Val; replaces methionine 304 with valine.
Molecular consequence: missense variant.
Genome position (GRCh38, 1-based): chr7:26,193,305, T>C on the plus strand (A>G on the coding strand, the complement: HNRNPA2B1 is on the minus strand). VCF-style: chr7-26193305-T-C. GRCh37 (hg19) VCF-style: chr7-26232925-T-C.
Other names: c.946A>G, p.Met316Val (NM_031243.4); short protein forms M304V, M316V.
Identifiers: ClinVar variation 2718458 (VCV002718458.3), dbSNP rs2535718236, ClinGen allele CA367071913.
Genomic context (GRCh38, chr7:26,193,305, plus strand): 5'-AATTACCTCCACCATATGGTCCCCCCATGTTCCTGCTACCACCAAAGTTTCCACTCTTCA[T>C]TGGACCGTAGTTAGAAGGTTGCTGGTTATAATTTCCAAAATCATTGTAATTTCCACTTCC-3'
Protein context (NP_002128.1, residues 294-314): YNQQPSNYGP[Met304Val]KSGNFGGSRN

ClinVar aggregate classification (germline): Uncertain significance (1 of 4 stars; one submission).

Conditions:
Inclusion body myopathy with early-onset Paget disease with or without frontotemporal dementia 2 (IBMPFD2). Also called: MULTISYSTEM PROTEINOPATHY 2. Identifiers: MedGen C3809468, MONDO:0014178, OMIM 615422.

Allele frequency attached by ClinVar (database versions not stated): gnomAD exomes below 0.00001.
gnomAD v4.1: 2 of 1,613,034 alleles (0.00012%); highest among the groups gnomAD compares: Non-Finnish European, 0.00017%; no homozygotes.

Submission:

Labcorp Genetics (formerly Invitae), Labcorp
Classification: Uncertain significance for Inclusion body myopathy with early-onset Paget disease with or without frontotemporal dementia 2. Last evaluated: 2025-06-20. Review status: criteria provided, single submitter. Criteria: Invitae Variant Classification Sherloc (09022015). Collection method: clinical testing. Allele origin: germline.
Comment: This sequence change replaces methionine, which is neutral and non-polar, with valine, which is neutral and non-polar, at codon 316 of the HNRNPA2B1 protein (p.Met316Val). This variant is not present in population databases (gnomAD no frequency). This variant has not been reported in the literature in individuals affected with HNRNPA2B1-related conditions. ClinVar contains an entry for this variant (Variation ID: 2718458). An algorithm developed to predict the effect of missense changes on protein structure and function (PolyPhen-2) suggests that this variant is likely to be tolerated. In summary, the available evidence is currently insufficient to determine the role of this variant in disease. Therefore, it has been classified as a Variant of Uncertain Significance.